The following is an entry in ClinVar:

ClinVar aggregate classification (germline): Uncertain significance (1 of 4 stars; one submission).

Submission:

Labcorp Genetics (formerly Invitae), Labcorp
Classification: Uncertain significance. Last evaluated: 2022-02-20. Review status: criteria provided, single submitter. Criteria: Invitae Variant Classification Sherloc (09022015). Collection method: clinical testing. Allele origin: germline.
Comment: A copy number gain of the genomic region encompassing the full coding sequence of the LIFR gene has been identified. The boundaries of this event are unknown as they extend beyond the assayed region for this gene and therefore may encompass additional genes. As the precise location of this event is unknown, it may be in tandem or it may be located elsewhere in the genome. This variant has not been reported in the literature in individuals affected with LIFR-related conditions. In summary, the available evidence is currently insufficient to determine the role of this variant in disease. Therefore, it has been classified as a Variant of Uncertain Significance.

NC_000005.9:g.(?_33944753)_(39364566_?)dup

Genes: C9 (complement C9; minus strand), C1QTNF3 (C1q and TNF related 3; minus strand), FYB1 (FYN binding protein 1; minus strand), CAPSL (calcyphosine like; minus strand), AGXT2 (alanine--glyoxylate aminotransferase 2; minus strand) and 29 more. Cytogenetic location: 5p13.2-13.1.
Variant type: Duplication.
Identifiers: ClinVar variation 2424399 (VCV002424399.3).